The following is an entry in ClinVar:

ClinVar aggregate classification (germline): Pathogenic (1 of 4 stars; one submission).

Submission:

Labcorp Genetics (formerly Invitae), Labcorp
Classification: Pathogenic. Last evaluated: 2021-11-29. Review status: criteria provided, single submitter. Criteria: Invitae Variant Classification Sherloc (09022015). Collection method: clinical testing. Allele origin: germline.
Comment: For these reasons, this variant has been classified as Pathogenic. This variant has not been reported in the literature in individuals affected with MTFMT-related conditions. This variant is not present in population databases (gnomAD no frequency). This sequence change creates a premature translational stop signal (p.Leu13Profs*93) in the MTFMT gene. It is expected to result in an absent or disrupted protein product. Loss-of-function variants in MTFMT are known to be pathogenic (PMID: 21907147, 24461907).

Literature cited by the submitters: PubMed 21907147; PubMed 24461907.

NM_139242.4(MTFMT):c.38_49delinsC (p.Leu13fs)

Gene: MTFMT (mitochondrial methionyl-tRNA formyltransferase; minus strand). Cytogenetic location: 15q22.31.
Variant type: Indel.
Coding change: c.38_49delinsC on transcript NM_139242.4 (MANE Select); coding-DNA positions 38 to 49, TGGCTCATGGCG replaced by C.
Protein change: p.Leu13fs; shifts the reading frame from leucine 13.
Molecular consequence: frameshift variant.
Genome position (GRCh38, 1-based): chr15:65,029,565-65,029,576, CGCCATGAGCCA replaced by G on the plus strand (TGGCTCATGGCG replaced by C on the coding strand, the reverse complement: MTFMT is on the minus strand). VCF-style: chr15-65029565-CGCCATGAGCCA-G. GRCh37 (hg19) VCF-style: chr15-65321903-CGCCATGAGCCA-G.
Other names: short protein forms L13fs.
Identifiers: ClinVar variation 2132320 (VCV002132320.4), dbSNP rs2086461800, ClinGen allele CA2183422929.